The following is an entry in ClinVar:

ClinVar aggregate classification (germline): Uncertain significance (1 of 4 stars; one submission).

Conditions:
Pilarowski-Bjornsson syndrome. Also called: DEVELOPMENTAL DELAY AND SPEECH APRAXIA WITH OR WITHOUT SEIZURES. Identifiers: Orphanet 529965, MedGen C4540131, MONDO:0060568, OMIM 617682.

Submission:

Laboratorio de Genetica e Diagnostico Molecular, Hospital Israelita Albert Einstein
Classification: Uncertain significance for Pilarowski-Bjornsson syndrome. Last evaluated: 2024-12-04. Review status: criteria provided, single submitter. Criteria: ACMG Guidelines, 2015. Collection method: clinical testing. Allele origin: germline. Affected: yes.
Comment: ACMG classification criteria: PM2 supporting, PP2 supporting, PP3 supporting

NM_001270.4(CHD1):c.1876C>G (p.Leu626Val)

Gene: CHD1 (chromodomain helicase DNA binding protein 1; minus strand). Cytogenetic location: 5q15.
Variant type: single nucleotide variant.
Coding change: c.1876C>G on transcript NM_001270.4 (MANE Select); coding-DNA position 1876, C replaced by G.
Protein change: p.Leu626Val; replaces leucine 626 with valine.
Molecular consequence: missense variant. On other transcripts: non-coding transcript variant (2).
Genome position (GRCh38, 1-based): chr5:98,893,531, G>C on the plus strand (C>G on the coding strand, the complement: CHD1 is on the minus strand). VCF-style: chr5-98893531-G-C. GRCh37 (hg19) VCF-style: chr5-98229235-G-C.
Other names: c.1876C>G, p.Leu626Val (NM_001364113.3, NM_001376194.2); short protein forms L626V.
Identifiers: ClinVar variation 3902064 (VCV003902064.1).